The following is an entry in ClinVar:

ClinVar aggregate classification (germline): Uncertain significance (1 of 4 stars; one submission).

Conditions:
Cardiovascular phenotype. Identifiers: MedGen CN230736.
Hereditary cancer-predisposing syndrome. Also called: Tumor predisposition; Hereditary neoplastic syndrome; Neoplastic Syndromes, Hereditary; Hereditary Cancer Syndrome. Identifiers: Orphanet 140162, MedGen C0027672, MeSH D009386, MONDO:0015356.

Submission:

Ambry Genetics
Classification: Uncertain significance for Cardiovascular phenotype; Hereditary cancer-predisposing syndrome. Last evaluated: 2025-04-06. Review status: criteria provided, single submitter. Criteria: Ambry Variant Classification Scheme 2023. Collection method: clinical testing. Allele origin: germline.
Comment: The p.A1098D variant (also known as c.3293C>A), located in coding exon 25 of the NF1 gene, results from a C to A substitution at nucleotide position 3293. The alanine at codon 1098 is replaced by aspartic acid, an amino acid with dissimilar properties. This amino acid position is conserved. In addition, the in silico prediction for this alteration is inconclusive. Based on the available evidence, the clinical significance of this variant remains unclear.

NM_001042492.3(NF1):c.3293C>A (p.Ala1098Asp)

Gene: NF1 (neurofibromin 1; plus strand). Cytogenetic location: 17q11.2.
Variant type: single nucleotide variant.
Coding change: c.3293C>A on transcript NM_001042492.3 (MANE Select); coding-DNA position 3293, C replaced by A.
Protein change: p.Ala1098Asp; replaces alanine 1098 with aspartic acid.
Molecular consequence: missense variant.
Genome position (GRCh38, 1-based): chr17:31,232,168, C>A. VCF-style: chr17-31232168-C-A. GRCh37 (hg19) VCF-style: chr17-29559186-C-A.
Other names: c.3293C>A, p.Ala1098Asp (NM_000267.4); short protein forms A1098D.
Identifiers: ClinVar variation 4019494 (VCV004019494.1).